The following is an entry in ClinVar:

ClinVar aggregate classification (germline): Uncertain significance (1 of 4 stars; one submission).

Submission:

GeneDx
Classification: Uncertain significance. Last evaluated: 2024-12-17. Review status: criteria provided, single submitter. Criteria: GeneDx Variant Classification Process June 2021. Collection method: clinical testing. Allele origin: germline. Affected: yes.
Comment: Not observed at significant frequency in large population cohorts (gnomAD); Missense variant in a gene in which most reported pathogenic variants are truncating/loss of function; Has not been previously published as pathogenic or benign to our knowledge

NM_001267550.2(TTN):c.35992A>G (p.Met11998Val)

Gene: TTN (titin; minus strand). Cytogenetic location: 2q31.2.
Variant type: single nucleotide variant.
Coding change: c.35992A>G on transcript NM_001267550.2 (MANE Select); coding-DNA position 35992, A replaced by G.
Protein change: p.Met11998Val; replaces methionine 11998 with valine.
Molecular consequence: missense variant. On other transcripts: intron variant (5).
Genome position (GRCh38, 1-based): chr2:178,665,428, T>C on the plus strand (A>G on the coding strand, the complement: TTN is on the minus strand). VCF-style: chr2-178665428-T-C. GRCh37 (hg19) VCF-style: chr2-179530155-T-C.
Other names: c.13283-23111A>G (NM_003319.4); c.13859-23111A>G (NM_133437.4); c.13658-23111A>G (NM_133432.3); c.31484-2373A>G (NM_133378.4); c.34265-2373A>G (NM_001256850.1); short protein forms M11998V.
Identifiers: ClinVar variation 3906634 (VCV003906634.1).